The following is an entry in ClinVar:

ClinVar aggregate classification (germline): Uncertain significance (1 of 4 stars; one submission).

Conditions:
Axenfeld-Rieger syndrome type 3 (RIEG3). Also called: AXENFELD-RIEGER ANOMALY WITH CARDIAC DEFECTS AND/OR SENSORINEURAL HEARING LOSS. Identifiers: Orphanet 782, MedGen C2678503, MONDO:0011233, OMIM 602482.

gnomAD v4.1: 1 of 1,445,644 alleles (0.000069%); highest among the groups gnomAD compares: Admixed American, 0.0024%; no homozygotes.

Submission:

Labcorp Genetics (formerly Invitae), Labcorp
Classification: Uncertain significance for Axenfeld-Rieger syndrome type 3. Last evaluated: 2021-08-08. Review status: criteria provided, single submitter. Criteria: Invitae Variant Classification Sherloc (09022015). Collection method: clinical testing. Allele origin: germline.
Comment: This sequence change replaces serine with arginine at codon 309 of the FOXC1 protein (p.Ser309Arg). The serine residue is highly conserved and there is a moderate physicochemical difference between serine and arginine. In summary, the available evidence is currently insufficient to determine the role of this variant in disease. Therefore, it has been classified as a Variant of Uncertain Significance. Algorithms developed to predict the effect of missense changes on protein structure and function (SIFT, PolyPhen-2, Align-GVGD) all suggest that this variant is likely to be disruptive. This variant has not been reported in the literature in individuals affected with FOXC1-related conditions. The frequency data for this variant in the population databases is considered unreliable, as metrics indicate insufficient coverage at this position in the ExAC database.

NM_001453.3(FOXC1):c.927C>A (p.Ser309Arg)

Gene: FOXC1 (forkhead box C1; plus strand). Cytogenetic location: 6p25.3.
Variant type: single nucleotide variant.
Coding change: c.927C>A on transcript NM_001453.3 (MANE Select); coding-DNA position 927, C replaced by A.
Protein change: p.Ser309Arg; replaces serine 309 with arginine.
Molecular consequence: missense variant.
Genome position (GRCh38, 1-based): chr6:1,611,372, C>A. VCF-style: chr6-1611372-C-A. GRCh37 (hg19) VCF-style: chr6-1611607-C-A.
Other names: short protein forms S309R.
Identifiers: ClinVar variation 1420530 (VCV001420530.6), dbSNP rs1762541775, ClinGen allele CA362559866.